The following is an entry in ClinVar:

NM_025137.4(SPG11):c.1801C>G (p.Pro601Ala)

Gene: SPG11 (SPG11 vesicle trafficking associated, spatacsin; minus strand). Cytogenetic location: 15q21.1.
Variant type: single nucleotide variant.
Coding change: c.1801C>G on transcript NM_025137.4 (MANE Select); coding-DNA position 1801, C replaced by G.
Protein change: p.Pro601Ala; replaces proline 601 with alanine.
Molecular consequence: missense variant.
Genome position (GRCh38, 1-based): chr15:44,629,323, G>C on the plus strand (C>G on the coding strand, the complement: SPG11 is on the minus strand). VCF-style: chr15-44629323-G-C. GRCh37 (hg19) VCF-style: chr15-44921521-G-C.
Other names: c.1801C>G, p.Pro601Ala (NM_001160227.2); short protein forms P601A.
Identifiers: ClinVar variation 1524875 (VCV001524875.8), dbSNP rs775799559, ClinGen allele CA392234659.

ClinVar aggregate classification (germline): Uncertain significance (1 of 4 stars; one submission).

Conditions:
Hereditary spastic paraplegia 11. Also called: Spastic Paraplegia 11; SPASTIC PARAPLEGIA, AUTOSOMAL RECESSIVE, COMPLICATED, WITH THIN CORPUS CALLOSUM; SPASTIC PARAPLEGIA, AUTOSOMAL RECESSIVE, WITH MENTAL IMPAIRMENT AND THIN CORPUS CALLOSUM; Nakamura Osame syndrome; Autosomal recessive hereditary spastic paraplegia, mental impairment, and thin corpus callosum; Spastic paraplegia, mental retardation and thin corpus callosum. Identifiers: Orphanet 2822, MedGen C1858479, MONDO:0011445, OMIM 604360.

Submission:

Labcorp Genetics (formerly Invitae), Labcorp
Classification: Uncertain significance for Hereditary spastic paraplegia 11. Last evaluated: 2021-02-16. Review status: criteria provided, single submitter. Criteria: Invitae Variant Classification Sherloc (09022015). Collection method: clinical testing. Allele origin: germline.
Comment: In summary, the available evidence is currently insufficient to determine the role of this variant in disease. Therefore, it has been classified as a Variant of Uncertain Significance. Algorithms developed to predict the effect of missense changes on protein structure and function output the following: SIFT: "Tolerated"; PolyPhen-2: "Benign"; Align-GVGD: "Class C0". The alanine amino acid residue is found in multiple mammalian species, suggesting that this missense change does not adversely affect protein function. These predictions have not been confirmed by published functional studies and their clinical significance is uncertain. This variant has not been reported in the literature in individuals with SPG11-related conditions. This variant is not present in population databases (ExAC no frequency). This sequence change replaces proline with alanine at codon 601 of the SPG11 protein (p.Pro601Ala). The proline residue is weakly conserved and there is a small physicochemical difference between proline and alanine.